The following is an entry in ClinVar:

NM_001375524.1(TRRAP):c.2123A>G (p.Asn708Ser)

Gene: TRRAP (transformation/transcription domain associated protein; plus strand). Cytogenetic location: 7q22.1.
Variant type: single nucleotide variant.
Coding change: c.2123A>G on transcript NM_001375524.1 (MANE Select); coding-DNA position 2123, A replaced by G.
Protein change: p.Asn708Ser; replaces asparagine 708 with serine.
Molecular consequence: missense variant.
Genome position (GRCh38, 1-based): chr7:98,912,137, A>G. VCF-style: chr7-98912137-A-G. GRCh37 (hg19) VCF-style: chr7-98509760-A-G.
Other names: c.2123A>G, p.Asn708Ser (NM_001244580.2, NM_003496.4); short protein forms N708S.
Identifiers: ClinVar variation 2579942 (VCV002579942.1), dbSNP rs1757286011, ClinGen allele CA368288602.
Genomic context (GRCh38, chr7:98,912,137, plus strand): 5'-TTCTGGTGGAATATCTCCTTGATCGCCTGCCAGAAATGGGCTCCAACGTGGAGCTCTCCA[A>G]CCTGTACCTCAAGCTGTTCAAGCTGGTCTTTGGCTCTGTCTCCCTCTTTGCAGCTGAAAA-3'
Protein context (NP_001362453.1, residues 698-718): PEMGSNVELS[Asn708Ser]LYLKLFKLVF

ClinVar aggregate classification (germline): Uncertain significance (1 of 4 stars; one submission).

Allele frequency attached by ClinVar (database versions not stated): gnomAD exomes below 0.00001.
gnomAD v4.1: 1 of 1,614,136 alleles (0.000062%); highest among the groups gnomAD compares: Non-Finnish European, 0.000085%; no homozygotes.

Submission:

GeneDx
Classification: Uncertain significance. Last evaluated: 2023-09-10. Review status: criteria provided, single submitter. Criteria: GeneDx Variant Classification Process June 2021. Collection method: clinical testing. Allele origin: germline. Affected: yes.
Comment: Not observed at significant frequency in large population cohorts (gnomAD); In silico analysis supports that this missense variant has a deleterious effect on protein structure/function; Has not been previously published as pathogenic or benign to our knowledge